The following is an entry in ClinVar:

NM_001386298.1(CIC):c.305G>A (p.Trp102Ter)

Gene: CIC (capicua transcriptional repressor; plus strand). Cytogenetic location: 19q13.2.
Variant type: single nucleotide variant.
Coding change: c.305G>A on transcript NM_001386298.1 (MANE Select); coding-DNA position 305, G replaced by A.
Protein change: p.Trp102Ter; replaces tryptophan 102 with a stop codon.
Molecular consequence: nonsense.
Genome position (GRCh38, 1-based): chr19:42,272,088, G>A. VCF-style: chr19-42272088-G-A. GRCh37 (hg19) VCF-style: chr19-42776240-G-A.
Other names: c.305G>A, p.Trp102Ter (NM_001304815.2, NM_001379480.1, NM_001379482.1 and 1 more transcripts); short protein forms W102*.
Identifiers: ClinVar variation 2649946 (VCV002649946.24), dbSNP rs2513592614, ClinGen allele CA406081177.
Genomic context (GRCh38, chr19:42,272,088, plus strand): 5'-CTGGCGACCCGGCTCCAGGCCCAGCAGAGGACCCCAAAGGGGATGGGGAGGCAGGCCGCT[G>A]GGAGCCCTCACTCAGCCGCAAGACAGCCACGTTCAAGTCTCGAGCGCCCAAGAAGAAGTA-3'

ClinVar aggregate classification (germline): Uncertain significance (1 of 4 stars; one submission).

Submission:

CeGaT Center for Human Genetics Tuebingen
Classification: Uncertain significance. Last evaluated: 2022-07-01. Review status: criteria provided, single submitter. Criteria: CeGaT Center For Human Genetics Tuebingen Variant Classification Criteria Version 2. Collection method: clinical testing. Allele origin: germline. Affected: yes. Observed: 1 variant allele.
Comment: CIC: PM2